The following is an entry in ClinVar:

NM_001267550.2(TTN):c.77731T>C (p.Ser25911Pro)

Genes: TTN-AS1 (TTN antisense RNA 1; plus strand), TTN (titin; minus strand). Cytogenetic location: 2q31.2.
Variant type: single nucleotide variant.
Coding change: c.77731T>C on transcript NM_001267550.2 (MANE Select); coding-DNA position 77731, T replaced by C.
Protein change: p.Ser25911Pro; replaces serine 25911 with proline.
Molecular consequence: missense variant.
Genome position (GRCh38, 1-based): chr2:178,568,401, A>G on the plus strand (T>C on the coding strand, the complement: TTN is on the minus strand). VCF-style: chr2-178568401-A-G. GRCh37 (hg19) VCF-style: chr2-179433128-A-G.
Other names: c.72808T>C, p.Ser24270Pro (NM_001256850.1); c.50536T>C, p.Ser16846Pro (NM_003319.4); c.70027T>C, p.Ser23343Pro (NM_133378.4); c.50911T>C, p.Ser16971Pro (NM_133432.3); c.51112T>C, p.Ser17038Pro (NM_133437.4); short protein forms S16846P, S16971P, S17038P, S23343P, S24270P, S25911P.
Identifiers: ClinVar variation 2572809 (VCV002572809.2), dbSNP rs2468361214, ClinGen allele CA349605160.

ClinVar aggregate classification (germline): Uncertain significance (1 of 4 stars; one submission).

Submission:

GeneDx
Classification: Uncertain significance. Last evaluated: 2025-03-29. Review status: criteria provided, single submitter. Criteria: GeneDx Variant Classification Process June 2021. Collection method: clinical testing. Allele origin: germline. Affected: yes.
Comment: Not observed at significant frequency in large population cohorts (gnomAD); Missense variant in a gene in which most reported pathogenic variants are truncating/loss of function; Has not been previously published as pathogenic or benign to our knowledge